The following is an entry in ClinVar:

ClinVar aggregate classification (germline): Uncertain significance (1 of 4 stars; one submission).

Conditions:
Myofibrillar myopathy 5. Also called: FILAMINOPATHY, AUTOSOMAL DOMINANT; Filaminopathy (type). Identifiers: Orphanet 171445, MedGen C1836050, MONDO:0012289, OMIM 609524.
Distal myopathy with posterior leg and anterior hand involvement. Also called: WILLIAMS DISTAL MYOPATHY. Identifiers: Orphanet 63273, MedGen C3279722, MONDO:0013550, OMIM 614065.
Hypertrophic cardiomyopathy 26. Also called: Cardiomyopathy, familial hypertrophic, 26. Identifiers: Orphanet 75249, MedGen C4310749, MONDO:0014883, OMIM 617047.

Submission:

Labcorp Genetics (formerly Invitae), Labcorp
Classification: Uncertain significance for Distal myopathy with posterior leg and anterior hand involvement; Myofibrillar myopathy 5; Hypertrophic cardiomyopathy 26. Last evaluated: 2022-03-18. Review status: criteria provided, single submitter. Criteria: Invitae Variant Classification Sherloc (09022015). Collection method: clinical testing. Allele origin: germline.
Comment: This sequence change affects codon 850 of the FLNC mRNA. It is a 'silent' change, meaning that it does not change the encoded amino acid sequence of the FLNC protein. This variant also falls at the last nucleotide of exon 16, which is part of the consensus splice site for this exon. This variant is not present in population databases (gnomAD no frequency). This variant has not been reported in the literature in individuals affected with FLNC-related conditions. ClinVar contains an entry for this variant (Variation ID: 641370). Variants that disrupt the consensus splice site are a relatively common cause of aberrant splicing (PMID: 17576681, 9536098). Algorithms developed to predict the effect of sequence changes on RNA splicing suggest that this variant may disrupt the consensus splice site. In summary, the available evidence is currently insufficient to determine the role of this variant in disease. Therefore, it has been classified as a Variant of Uncertain Significance.

Literature cited by the submitters: PubMed 17576681; PubMed 9536098.

NM_001458.5(FLNC):c.2550G>A (p.Gln850=)

Gene: FLNC (filamin C; plus strand). Cytogenetic location: 7q32.1.
Variant type: single nucleotide variant.
Coding change: c.2550G>A on transcript NM_001458.5 (MANE Select); coding-DNA position 2550, G replaced by A.
Protein change: p.Gln850=; no amino-acid change (glutamine 850 retained).
Molecular consequence: synonymous variant.
Genome position (GRCh38, 1-based): chr7:128,842,954, G>A. VCF-style: chr7-128842954-G-A. GRCh37 (hg19) VCF-style: chr7-128483008-G-A.
Other names: c.2550G>A, p.Gln850= (NM_001127487.2).
Identifiers: ClinVar variation 641370 (VCV000641370.7), dbSNP rs1585158097, ClinGen allele CA457847949.